The following is an entry in ClinVar:

ClinVar aggregate classification (germline): Uncertain significance. Review status: criteria provided, multiple submitters, no conflicts (2 of 4 stars). 2 submissions from 2 submitters: Uncertain significance (2). Last evaluated 2026-02-04.

Conditions:
RASopathy. Also called: rasopathies; Noonan spectrum disorder. Identifiers: Orphanet 536391, MedGen C5555857, MONDO:0021060.

Submissions (2):

GeneDx
Classification: Uncertain significance. Last evaluated: 2026-02-04. Review status: criteria provided, single submitter. Criteria: GeneDx Variant Classification Process June 2021. Collection method: clinical testing. Allele origin: germline.
Comment: Not observed at significant frequency in large population cohorts (gnomAD); Missense variants in this gene are a common cause of disease and they are underrepresented in the general population; In silico analysis suggests that this missense variant does not alter protein structure/function; Has not been previously published as pathogenic or benign to our knowledge; This variant is associated with the following publications: (PMID: 29493581)

Labcorp Genetics (formerly Invitae), Labcorp
Classification: Uncertain significance for RASopathy. Last evaluated: 2022-04-15. Review status: criteria provided, single submitter. Criteria: Invitae Variant Classification Sherloc (09022015). Collection method: clinical testing. Allele origin: germline.
Comment: This sequence change replaces isoleucine, which is neutral and non-polar, with leucine, which is neutral and non-polar, at codon 661 of the SOS1 protein (p.Ile661Leu). This variant is not present in population databases (gnomAD no frequency). This variant has not been reported in the literature in individuals affected with SOS1-related conditions. Advanced modeling of protein sequence and biophysical properties (such as structural, functional, and spatial information, amino acid conservation, physicochemical variation, residue mobility, and thermodynamic stability) performed at Invitae indicates that this missense variant is not expected to disrupt SOS1 protein function. In summary, the available evidence is currently insufficient to determine the role of this variant in disease. Therefore, it has been classified as a Variant of Uncertain Significance.

NM_005633.4(SOS1):c.1981A>T (p.Ile661Leu)

Gene: SOS1 (SOS Ras/Rac guanine nucleotide exchange factor 1; minus strand). Cytogenetic location: 2p22.1.
Variant type: single nucleotide variant.
Coding change: c.1981A>T on transcript NM_005633.4 (MANE Select); coding-DNA position 1981, A replaced by T.
Protein change: p.Ile661Leu; replaces isoleucine 661 with leucine.
Molecular consequence: missense variant.
Genome position (GRCh38, 1-based): chr2:39,013,949, T>A on the plus strand (A>T on the coding strand, the complement: SOS1 is on the minus strand). VCF-style: chr2-39013949-T-A. GRCh37 (hg19) VCF-style: chr2-39241090-T-A.
Other names: c.1981A>T (NM_005633.3); c.1960A>T, p.Ile654Leu (NM_001382394.1); c.1981A>T, p.Ile661Leu (NM_001382395.1); short protein forms I654L, I661L.
Identifiers: ClinVar variation 1516418 (VCV001516418.9), dbSNP rs1181488319, ClinGen allele CA346364930.